The following is an entry in ClinVar:

ClinVar aggregate classification (germline): Uncertain significance (1 of 4 stars; one submission).

Allele frequency attached by ClinVar (database versions not stated): gnomAD exomes below 0.00001; TOPMed below 0.00001.
gnomAD v4.1: 6 of 1,613,458 alleles (0.00037%); highest among the groups gnomAD compares: African/African-American, 0.004%; no homozygotes.

Submission:

Labcorp Genetics (formerly Invitae), Labcorp
Classification: Uncertain significance. Last evaluated: 2022-08-20. Review status: criteria provided, single submitter. Criteria: Invitae Variant Classification Sherloc (09022015). Collection method: clinical testing. Allele origin: germline.
Comment: This sequence change replaces serine, which is neutral and polar, with asparagine, which is neutral and polar, at codon 393 of the GTPBP3 protein (p.Ser393Asn). This variant is not present in population databases (gnomAD no frequency). This variant has not been reported in the literature in individuals affected with GTPBP3-related conditions. ClinVar contains an entry for this variant (Variation ID: 1486968). Algorithms developed to predict the effect of missense changes on protein structure and function output the following: SIFT: "Tolerated"; PolyPhen-2: "Benign"; Align-GVGD: "Class C0". The asparagine amino acid residue is found in multiple mammalian species, which suggests that this missense change does not adversely affect protein function. In summary, the available evidence is currently insufficient to determine the role of this variant in disease. Therefore, it has been classified as a Variant of Uncertain Significance.

NM_032620.4(GTPBP3):c.1082G>A (p.Ser361Asn)

Gene: GTPBP3 (GTP binding protein 3, mitochondrial; plus strand). Cytogenetic location: 19p13.11.
Variant type: single nucleotide variant.
Coding change: c.1082G>A on transcript NM_032620.4 (MANE Select); coding-DNA position 1082, G replaced by A.
Protein change: p.Ser361Asn; replaces serine 361 with asparagine.
Molecular consequence: missense variant.
Genome position (GRCh38, 1-based): chr19:17,341,151, G>A. VCF-style: chr19-17341151-G-A. GRCh37 (hg19) VCF-style: chr19-17451960-G-A.
Other names: c.1019G>A, p.Ser340Asn (NM_001128855.3); c.1148G>A, p.Ser383Asn (NM_001195422.1); c.1178G>A, p.Ser393Asn (NM_133644.4); short protein forms S340N, S361N, S383N, S393N.
Identifiers: ClinVar variation 1486968 (VCV001486968.3), dbSNP rs374190574, ClinGen allele CA306064704.
Genomic context (GRCh38, chr19:17,341,151, plus strand): 5'-TGGCCTCTCCCTCCAGTTGCAACTTCCTGGCCACCGTCGTAGCCTCTGTGGGAGCCCAGA[G>A]CCCCAGTGACAGCAGCCAGCGCCTCCTCCTGGTGCTGAACAAGTCGGACCTGCTGTCCCC-3'
Protein context (NP_116009.2, residues 351-371): ATVVASVGAQ[Ser361Asn]PSDSSQRLLL